The following is an entry in ClinVar:

NM_000321.3(RB1):c.104A>T (p.Gln35Leu)

Gene: RB1 (RB transcriptional corepressor 1; plus strand). Cytogenetic location: 13q14.2.
Variant type: single nucleotide variant.
Coding change: c.104A>T on transcript NM_000321.3 (MANE Select); coding-DNA position 104, A replaced by T.
Protein change: p.Gln35Leu; replaces glutamine 35 with leucine.
Molecular consequence: missense variant.
Genome position (GRCh38, 1-based): chr13:48,304,016, A>T. VCF-style: chr13-48304016-A-T. GRCh37 (hg19) VCF-style: chr13-48878152-A-T.
Other names: short protein forms Q35L.
Identifiers: ClinVar variation 577029 (VCV000577029.19), dbSNP rs1480581747, ClinGen allele CA388250336.

ClinVar aggregate classification (germline): Conflicting classifications of pathogenicity. Review status: criteria provided, conflicting classifications (1 of 4 stars). 5 submissions from 5 submitters: Uncertain significance (4); Likely benign (1). Last evaluated 2025-12-16.

Conditions:
Hereditary cancer-predisposing syndrome. Also called: Tumor predisposition; Hereditary neoplastic syndrome; Hereditary Cancer Syndrome; Neoplastic Syndromes, Hereditary. Identifiers: Orphanet 140162, MedGen C0027672, MeSH D009386, MONDO:0015356.
Retinoblastoma (RB1). Also called: RETINOBLASTOMA, SOMATIC. Identifiers: Orphanet 790, MedGen C0035335, MeSH D012175, MONDO:0008380, OMIM 180200, HP:0009919. Disease mechanism: loss of function. Inheritance: Both sporadic and heritable forms are tested..

Allele frequency attached by ClinVar (database versions not stated): gnomAD 0.00001; TOPMed 0.00001.
gnomAD v4.1: 6 of 1,472,782 alleles (0.00041%); highest among the groups gnomAD compares: Non-Finnish European, 0.00054%; no homozygotes.

Submissions (5):

Labcorp Genetics (formerly Invitae), Labcorp
Classification: Likely benign for Retinoblastoma. Last evaluated: 2025-12-16. Review status: criteria provided, single submitter. Criteria: Invitae Variant Classification Sherloc (09022015). Collection method: clinical testing. Allele origin: germline.

Ambry Genetics
Classification: Uncertain significance for Hereditary cancer-predisposing syndrome. Last evaluated: 2025-11-25. Review status: criteria provided, single submitter. Criteria: Ambry Variant Classification Scheme 2023. Collection method: clinical testing. Allele origin: germline.
Comment: The p.Q35L variant (also known as c.104A>T), located in coding exon 1 of the RB1 gene, results from an A to T substitution at nucleotide position 104. The glutamine at codon 35 is replaced by leucine, an amino acid with dissimilar properties. This amino acid position is not well conserved in available vertebrate species. In addition, the in silico prediction for this alteration is inconclusive. Since supporting evidence is limited at this time, the clinical significance of this alteration remains unclear.

GeneDx
Classification: Uncertain significance. Last evaluated: 2024-08-26. Review status: criteria provided, single submitter. Criteria: GeneDx Variant Classification Process June 2021. Collection method: clinical testing. Allele origin: germline. Affected: yes.
Comment: Not observed at significant frequency in large population cohorts (gnomAD); In silico analysis indicates that this missense variant does not alter protein structure/function; Has not been previously published as pathogenic or benign to our knowledge; This variant is associated with the following publications: (PMID: 23516486)

Color Diagnostics, LLC DBA Color Health
Classification: Uncertain significance for Retinoblastoma. Last evaluated: 2024-03-06. Review status: criteria provided, single submitter. Criteria: ACMG Guidelines, 2015. Collection method: clinical testing. Allele origin: germline.
Comment: This missense variant replaces glutamine with leucine at codon 35 of the RB1 protein. Computational prediction suggests that this variant may not impact protein structure and function. To our knowledge, functional studies have not been reported for this variant. This variant has not been reported in individuals affected with RB1-related disorders in the literature. This variant has not been identified in the general population by the Genome Aggregation Database (gnomAD). The available evidence is insufficient to determine the role of this variant in disease conclusively. Therefore, this variant is classified as a Variant of Uncertain Significance.

All of Us Research Program, National Institutes of Health
Classification: Uncertain significance for Retinoblastoma. Last evaluated: 2023-09-17. Review status: criteria provided, single submitter. Criteria: ACMG Guidelines, 2015. Collection method: clinical testing. Allele origin: germline. Inheritance: Autosomal dominant inheritance. Observed: 3 variant alleles, 3 heterozygotes.
Comment: This missense variant replaces glutamine with leucine at codon 35 of the RB1 protein. Computational prediction suggests that this variant may not impact protein structure and function (internally defined REVEL score threshold <= 0.5, PMID: 27666373). To our knowledge, functional studies have not been reported for this variant. This variant has not been reported in individuals affected with RB1-related disorders in the literature. This variant has not been identified in the general population by the Genome Aggregation Database (gnomAD). The available evidence is insufficient to determine the role of this variant in disease conclusively. Therefore, this variant is classified as a Variant of Uncertain Significance.

This study involves interpretation of variants in research participants for the purpose of population health screening. Participant phenotype was not available at the time of variant classification. Additional details can be found in publication PMID: 35346344, PMCID: PMC8962531